The following is an entry in ClinVar:

NM_001267550.2(TTN):c.68066A>G (p.Asn22689Ser)

Genes: TTN (titin; minus strand), TTN-AS1 (TTN antisense RNA 1; plus strand), LOC126806423 (CDK7 strongly-dependent group 2 enhancer GRCh37_chr2:179443309-179444508; plus strand). Cytogenetic location: 2q31.2.
Variant type: single nucleotide variant.
Coding change: c.68066A>G on transcript NM_001267550.2 (MANE Select); coding-DNA position 68066, A replaced by G.
Protein change: p.Asn22689Ser; replaces asparagine 22689 with serine.
Molecular consequence: missense variant.
Genome position (GRCh38, 1-based): chr2:178,578,964, T>C on the plus strand (A>G on the coding strand, the complement: TTN is on the minus strand). VCF-style: chr2-178578964-T-C. GRCh37 (hg19) VCF-style: chr2-179443691-T-C.
Other names: c.68066A>G (NM_001267550.1); c.63143A>G, p.Asn21048Ser (NM_001256850.1); c.40871A>G, p.Asn13624Ser (NM_003319.4); c.60362A>G, p.Asn20121Ser (NM_133378.4); c.41246A>G, p.Asn13749Ser (NM_133432.3); c.41447A>G, p.Asn13816Ser (NM_133437.4); short protein forms N22689S, N13749S, N20121S, N13624S, N13816S, N21048S.
Identifiers: ClinVar variation 404873 (VCV000404873.4), dbSNP rs375397094, ClinGen allele CA1991192.

ClinVar aggregate classification (germline): Uncertain significance. Review status: criteria provided, multiple submitters, no conflicts (2 of 4 stars). 2 submissions from 2 submitters: Uncertain significance (2). Last evaluated 2026-04-16.

Conditions:
Dilated cardiomyopathy 1G (CMD1G). Identifiers: Orphanet 154, MedGen C1858763, MONDO:0011400, OMIM 604145.
Autosomal recessive limb-girdle muscular dystrophy type 2J (LGMDR10). Also called: Limb-girdle muscular dystrophy, type 2J; MUSCULAR DYSTROPHY, LIMB-GIRDLE, AUTOSOMAL RECESSIVE 10. Identifiers: Orphanet 140922, MedGen C1837342, MONDO:0012127, OMIM 608807.

Allele frequency attached by ClinVar (database versions not stated): ESP Exome Variant Server 0.00008; ExAC 0.00001; TOPMed 0.00001.
gnomAD v4.1: 3 of 1,613,238 alleles (0.00019%); highest among the groups gnomAD compares: African/African-American, 0.0013%; no homozygotes.

Submissions (2):

GeneDx
Classification: Uncertain significance. Last evaluated: 2026-04-16. Review status: criteria provided, single submitter. Criteria: GeneDx Variant Classification Process June 2021. Collection method: clinical testing. Allele origin: germline.
Comment: Not observed at significant frequency in large population cohorts (gnomAD); Missense variant in a gene in which most reported pathogenic variants are truncating/loss of function; Has not been previously published as pathogenic or benign to our knowledge

Labcorp Genetics (formerly Invitae), Labcorp
Classification: Uncertain significance for Dilated cardiomyopathy 1G; Autosomal recessive limb-girdle muscular dystrophy type 2J. Last evaluated: 2017-12-15. Review status: criteria provided, single submitter. Criteria: Invitae Variant Classification Sherloc (09022015). Collection method: clinical testing. Allele origin: germline.